The following is an entry in ClinVar:

ClinVar aggregate classification (germline): Conflicting classifications of pathogenicity. Review status: criteria provided, conflicting classifications (1 of 4 stars). 2 submissions from 2 submitters: Uncertain significance (1); Likely benign (1). Last evaluated 2025-11-13.

Allele frequency attached by ClinVar (database versions not stated): ExAC 0.00001; gnomAD 0.00001 and 0.00002; gnomAD exomes 0.00001.

Submissions (2):

Labcorp Genetics (formerly Invitae), Labcorp
Classification: Uncertain significance. Last evaluated: 2025-11-13. Review status: criteria provided, single submitter. Criteria: Invitae Variant Classification Sherloc (09022015). Collection method: clinical testing. Allele origin: germline.
Comment: This sequence change replaces isoleucine, which is neutral and non-polar, with valine, which is neutral and non-polar, at codon 305 of the CFP protein (p.Ile305Val). This variant is present in population databases (rs764638136, gnomAD 0.001%). This variant has not been reported in the literature in individuals affected with CFP-related conditions. ClinVar contains an entry for this variant (Variation ID: 1417523). Invitae Evidence Modeling of protein sequence and biophysical properties (such as structural, functional, and spatial information, amino acid conservation, physicochemical variation, residue mobility, and thermodynamic stability) indicates that this missense variant is not expected to disrupt CFP protein function with a negative predictive value of 80%. In summary, the available evidence is currently insufficient to determine the role of this variant in disease. Therefore, it has been classified as a Variant of Uncertain Significance.

Blueprint Genetics
Classification: Likely benign. Last evaluated: 2023-04-03. Review status: criteria provided, single submitter. Criteria: ACMG Guidelines, 2015. Collection method: clinical testing. Allele origin: germline.

NM_001145252.3(CFP):c.913A>G (p.Ile305Val)

Gene: CFP (complement factor properdin; minus strand). Cytogenetic location: Xp11.23.
Variant type: single nucleotide variant.
Coding change: c.913A>G on transcript NM_001145252.3 (MANE Select); coding-DNA position 913, A replaced by G.
Protein change: p.Ile305Val; replaces isoleucine 305 with valine.
Molecular consequence: missense variant.
Genome position (GRCh38, 1-based): chrX:47,626,800, T>C on the plus strand (A>G on the coding strand, the complement: CFP is on the minus strand). VCF-style: chrX-47626800-T-C. GRCh37 (hg19) VCF-style: chrX-47486199-T-C.
Other names: c.913A>G, p.Ile305Val (NM_002621.2); short protein forms I305V.
Identifiers: ClinVar variation 1417523 (VCV001417523.9), dbSNP rs764638136, ClinGen allele CA10398885.
Genomic context (GRCh38, chrX:47,626,800, plus strand): 5'-AGGCATGCAAATCGTGAACCCTGAGATGCTGACCAGGGCAGGGCACAGCTGTGTTGCAGA[T>C]GTGGGTCCGGGTGGCATCGCCAGCACAGAAGGGGCCCCCATGCTGGGGCACAGGGTGATT-3'
Protein context (NP_001138724.1, residues 295-315): FCAGDATRTH[Ile305Val]CNTAVPCPVD